The following is an entry in ClinVar:

NM_005591.4(MRE11):c.872G>A (p.Gly291Glu)

Gene: MRE11 (MRE11 double strand break repair nuclease; minus strand). Cytogenetic location: 11q21.
Variant type: single nucleotide variant.
Coding change: c.872G>A on transcript NM_005591.4 (MANE Select); coding-DNA position 872, G replaced by A.
Protein change: p.Gly291Glu; replaces glycine 291 with glutamic acid.
Molecular consequence: missense variant.
Genome position (GRCh38, 1-based): chr11:94,470,616, C>T on the plus strand (G>A on the coding strand, the complement: MRE11 is on the minus strand). VCF-style: chr11-94470616-C-T. GRCh37 (hg19) VCF-style: chr11-94203782-C-T.
Other names: c.872G>A, p.Gly291Glu (NM_001330347.2, NM_005590.4); short protein forms G291E.
Identifiers: ClinVar variation 2451360 (VCV002451360.2), dbSNP rs2496485201, ClinGen allele CA382374744.
Genomic context (GRCh38, chr11:94,470,616, plus strand): 5'-TCCTCCATGAAAAACTGCCGCACTGTGTGAAGAGGAATTTTATGCATATTCATCTTCCTC[C>T]CTTTAATACGCAGCAAACCAACATGTCTGAAGTGGAGAGAAATGAACACCGAGTCACAGT-3'
Protein context (NP_005582.1, residues 281-301): KKHVGLLRIK[Gly291Glu]RKMNMHKIPL

ClinVar aggregate classification (germline): Uncertain significance (1 of 4 stars; one submission).

Conditions:
Hereditary cancer-predisposing syndrome. Also called: Neoplastic Syndromes, Hereditary; Tumor predisposition; Hereditary neoplastic syndrome; Hereditary Cancer Syndrome. Identifiers: Orphanet 140162, MedGen C0027672, MeSH D009386, MONDO:0015356.

Submission:

Ambry Genetics
Classification: Uncertain significance for Hereditary cancer-predisposing syndrome. Last evaluated: 2022-12-16. Review status: criteria provided, single submitter. Criteria: Ambry Variant Classification Scheme 2023. Collection method: clinical testing. Allele origin: germline.
Comment: The p.G291E variant (also known as c.872G>A), located in coding exon 8 of the MRE11A gene, results from a G to A substitution at nucleotide position 872. The glycine at codon 291 is replaced by glutamic acid, an amino acid with similar properties. This amino acid position is conserved. In addition, the in silico prediction for this alteration is inconclusive. Since supporting evidence is limited at this time, the clinical significance of this alteration remains unclear.